The following is an entry in ClinVar:

ClinVar aggregate classification (germline): Uncertain significance (1 of 4 stars; one submission).

Conditions:
Amyotrophic lateral sclerosis type 10 (ALS10). Also called: Amyotrophic lateral sclerosis 10, with or without FTD; TARDBP-Related Amyotrophic Lateral Sclerosis-Frontotemporal Dementia; AMYOTROPHIC LATERAL SCLEROSIS 10 WITHOUT FRONTOTEMPORAL DEMENTIA AND WITH TDP43 INCLUSIONS; AMYOTROPHIC LATERAL SCLEROSIS 10 WITH OR WITHOUT FRONTOTEMPORAL DEMENTIA AND WITH TDP43 INCLUSIONS; AMYOTROPHIC LATERAL SCLEROSIS 10 WITH OR WITHOUT FRONTOTEMPORAL DEMENTIA. Identifiers: Orphanet 275872, Orphanet 803, MedGen C2677565, MONDO:0012790, OMIM 612069.
FRONTOTEMPORAL LOBAR DEGENERATION WITH TDP43 INCLUSIONS, TARDBP-RELATED. Also called: Frontotemporal lobar degeneration, TARDBP-related. Identifiers: MedGen C3150169, OMIM 612069.

Allele frequency attached by ClinVar (database versions not stated): gnomAD exomes below 0.00001.
gnomAD v4.1: 1 of 1,614,136 alleles (0.000062%); highest among the groups gnomAD compares: South Asian, 0.0011%; no homozygotes.

Submission:

Labcorp Genetics (formerly Invitae), Labcorp
Classification: Uncertain significance for Amyotrophic lateral sclerosis type 10; FRONTOTEMPORAL LOBAR DEGENERATION WITH TDP43 INCLUSIONS, TARDBP-RELATED. Last evaluated: 2017-10-14. Review status: criteria provided, single submitter. Criteria: Invitae Variant Classification Sherloc (09022015). Collection method: clinical testing. Allele origin: germline.
Comment: This sequence change replaces threonine with isoleucine at codon 88 of the TARDBP protein (p.Thr88Ile). The threonine residue is moderately conserved and there is a moderate physicochemical difference between threonine and isoleucine. This variant is not present in population databases (ExAC no frequency). This variant has not been reported in the literature in individuals with TARDBP-related disease. Algorithms developed to predict the effect of missense changes on protein structure and function (SIFT, PolyPhen-2, Align-GVGD) all suggest that this variant is likely to be tolerated, but these predictions have not been confirmed by published functional studies and their clinical significance is uncertain. In summary, the available evidence is currently insufficient to determine the role of this variant in disease. Therefore, it has been classified as a Variant of Uncertain Significance.

NM_007375.4(TARDBP):c.263C>T (p.Thr88Ile)

Gene: TARDBP (TAR DNA binding protein; plus strand). Cytogenetic location: 1p36.22.
Variant type: single nucleotide variant.
Coding change: c.263C>T on transcript NM_007375.4 (MANE Select); coding-DNA position 263, C replaced by T.
Protein change: p.Thr88Ile; replaces threonine 88 with isoleucine.
Molecular consequence: missense variant.
Genome position (GRCh38, 1-based): chr1:11,016,868, C>T. VCF-style: chr1-11016868-C-T. GRCh37 (hg19) VCF-style: chr1-11076925-C-T.
Other names: short protein forms T88I.
Identifiers: ClinVar variation 537328 (VCV000537328.8), dbSNP rs1553159049, ClinGen allele CA338359100.